The following is an entry in ClinVar:

ClinVar aggregate classification (germline): Uncertain significance (1 of 4 stars; one submission).

Conditions:
Marfan syndrome (MFS). Also called: MARFAN SYNDROME, TYPE I; Marfan syndrome type 1; Marfan's syndrome; Marfan syndrome, classic; FBN1-Related Marfan Syndrome. Identifiers: Orphanet 284963, Orphanet 558, MedGen C0024796, MONDO:0007947, OMIM 154700.
Familial thoracic aortic aneurysm and aortic dissection (TAAD). Also called: Thoracic aortic aneurysms and dissections. Identifiers: Orphanet 91387, MedGen C4707243, MONDO:0019625.

Submission:

Labcorp Genetics (formerly Invitae), Labcorp
Classification: Uncertain significance for Marfan syndrome; Familial thoracic aortic aneurysm and aortic dissection. Last evaluated: 2023-12-11. Review status: criteria provided, single submitter. Criteria: Invitae Variant Classification Sherloc (09022015). Collection method: clinical testing. Allele origin: germline.
Comment: This sequence change replaces glycine, which is neutral and non-polar, with alanine, which is neutral and non-polar, at codon 1319 of the FBN1 protein (p.Gly1319Ala). This variant is not present in population databases (gnomAD no frequency). This missense change has been observed in individual(s) with FBN1-related conditions (Invitae). Advanced modeling of protein sequence and biophysical properties (such as structural, functional, and spatial information, amino acid conservation, physicochemical variation, residue mobility, and thermodynamic stability) performed at Invitae indicates that this missense variant is expected to disrupt FBN1 protein function with a positive predictive value of 95%. This variant disrupts the p.Gly1319 amino acid residue in FBN1. Other variant(s) that disrupt this residue have been observed in individuals with FBN1-related conditions (PMID: 33824467), which suggests that this may be a clinically significant amino acid residue. In summary, the available evidence is currently insufficient to determine the role of this variant in disease. Therefore, it has been classified as a Variant of Uncertain Significance.

Literature cited by the submitters: PubMed 33824467.

NM_000138.5(FBN1):c.3956G>C (p.Gly1319Ala)

Gene: FBN1 (fibrillin 1; minus strand). Cytogenetic location: 15q21.1.
Variant type: single nucleotide variant.
Coding change: c.3956G>C on transcript NM_000138.5 (MANE Select); coding-DNA position 3956, G replaced by C.
Protein change: p.Gly1319Ala; replaces glycine 1319 with alanine.
Molecular consequence: missense variant.
Genome position (GRCh38, 1-based): chr15:48,481,663, C>G on the plus strand (G>C on the coding strand, the complement: FBN1 is on the minus strand). VCF-style: chr15-48481663-C-G. GRCh37 (hg19) VCF-style: chr15-48773860-C-G.
Other names: c.3956G>C, p.Gly1319Ala (NM_001406716.1); short protein forms G1319A.
Identifiers: ClinVar variation 2921308 (VCV002921308.3), dbSNP rs2505533233, ClinGen allele CA392322202.